The following is an entry in ClinVar:

NM_024422.6(DSC2):c.401A>G (p.Lys134Arg)

Gene: DSC2 (desmocollin 2; minus strand). Cytogenetic location: 18q12.1.
Variant type: single nucleotide variant.
Coding change: c.401A>G on transcript NM_024422.6 (MANE Select); coding-DNA position 401, A replaced by G.
Protein change: p.Lys134Arg; replaces lysine 134 with arginine.
Molecular consequence: missense variant. On other transcripts: 5 prime UTR variant (2).
Genome position (GRCh38, 1-based): chr18:31,091,101, T>C on the plus strand (A>G on the coding strand, the complement: DSC2 is on the minus strand). VCF-style: chr18-31091101-T-C. GRCh37 (hg19) VCF-style: chr18-28671064-T-C.
Other names: c.-29A>G (NM_001406506.1, NM_001406507.1); c.401A>G, p.Lys134Arg (NM_004949.5); short protein forms K134R.
Identifiers: ClinVar variation 2863836 (VCV002863836.3), dbSNP rs2510955023, ClinGen allele CA402114352.

ClinVar aggregate classification (germline): Uncertain significance (1 of 4 stars; one submission).

Conditions:
Arrhythmogenic right ventricular dysplasia 11. Also called: ARRHYTHMOGENIC RIGHT VENTRICULAR DYSPLASIA, FAMILIAL, 11; Arrhythmogenic Right Ventricular Dysplasia/Cardiomyopathy11; Arrhythmogenic right ventricular dysplasia 11 with mild palmoplantar keratoderma and woolly hair. Identifiers: MedGen C1864850, MONDO:0012506, OMIM 610476.

gnomAD v4.1: 1 of 1,614,082 alleles (0.000062%); highest among the groups gnomAD compares: Non-Finnish European, 0.000085%; no homozygotes.

Submission:

Labcorp Genetics (formerly Invitae), Labcorp
Classification: Uncertain significance for Arrhythmogenic right ventricular dysplasia 11. Last evaluated: 2023-05-13. Review status: criteria provided, single submitter. Criteria: Invitae Variant Classification Sherloc (09022015). Collection method: clinical testing. Allele origin: germline.
Comment: This sequence change replaces lysine, which is basic and polar, with arginine, which is basic and polar, at codon 134 of the DSC2 protein (p.Lys134Arg). This variant is not present in population databases (gnomAD no frequency). In summary, the available evidence is currently insufficient to determine the role of this variant in disease. Therefore, it has been classified as a Variant of Uncertain Significance. Advanced modeling of protein sequence and biophysical properties (such as structural, functional, and spatial information, amino acid conservation, physicochemical variation, residue mobility, and thermodynamic stability) performed at Invitae indicates that this missense variant is expected to disrupt DSC2 protein function. This variant has not been reported in the literature in individuals affected with DSC2-related conditions.